The following is an entry in ClinVar:

ClinVar aggregate classification (germline): Uncertain significance. Review status: criteria provided, multiple submitters, no conflicts (2 of 4 stars). 2 submissions from 2 submitters: Uncertain significance (2). Last evaluated 2022-06-24.

Allele frequency attached by ClinVar (database versions not stated): ExAC 0.00001; gnomAD exomes 0.00001; ESP Exome Variant Server 0.00009.
gnomAD v4.1: 14 of 1,611,742 alleles (0.00087%); highest among the groups gnomAD compares: Non-Finnish European, 0.0011%; no homozygotes.

Submissions (2):

Labcorp Genetics (formerly Invitae), Labcorp
Classification: Uncertain significance. Last evaluated: 2022-06-24. Review status: criteria provided, single submitter. Criteria: Invitae Variant Classification Sherloc (09022015). Collection method: clinical testing. Allele origin: germline.
Comment: This sequence change replaces proline, which is neutral and non-polar, with leucine, which is neutral and non-polar, at codon 785 of the ADGRV1 protein (p.Pro785Leu). This variant is present in population databases (rs372459429, gnomAD 0.002%). This variant has not been reported in the literature in individuals affected with ADGRV1-related conditions. Algorithms developed to predict the effect of missense changes on protein structure and function (SIFT, PolyPhen-2, Align-GVGD) all suggest that this variant is likely to be disruptive. In summary, the available evidence is currently insufficient to determine the role of this variant in disease. Therefore, it has been classified as a Variant of Uncertain Significance.

Blueprint Genetics
Classification: Uncertain significance. Last evaluated: 2019-02-05. Review status: criteria provided, single submitter. Criteria: ACMG Guidelines, 2015. Collection method: clinical testing. Allele origin: germline.

NM_032119.4(ADGRV1):c.2354C>T (p.Pro785Leu)

Gene: ADGRV1 (adhesion G protein-coupled receptor V1; plus strand). Cytogenetic location: 5q14.3.
Variant type: single nucleotide variant.
Coding change: c.2354C>T on transcript NM_032119.4 (MANE Select); coding-DNA position 2354, C replaced by T.
Protein change: p.Pro785Leu; replaces proline 785 with leucine.
Molecular consequence: missense variant. On other transcripts: non-coding transcript variant (1).
Genome position (GRCh38, 1-based): chr5:90,642,749, C>T. VCF-style: chr5-90642749-C-T. GRCh37 (hg19) VCF-style: chr5-89938566-C-T.
Other names: short protein forms P785L.
Identifiers: ClinVar variation 1408332 (VCV001408332.7), dbSNP rs372459429, ClinGen allele CA3338898.